The following is an entry in ClinVar:

ClinVar aggregate classification (germline): Pathogenic (1 of 4 stars; one submission).

Conditions:
Fanconi anemia (FA). Also called: Fanconi's anemia. Identifiers: Orphanet 84, MedGen C0015625, MeSH D005199, MONDO:0019391.

Submission:

Labcorp Genetics (formerly Invitae), Labcorp
Classification: Pathogenic for Fanconi anemia. Last evaluated: 2015-07-30. Review status: criteria provided, single submitter. Criteria: Invitae Variant Classification Sherloc (09022015). Collection method: clinical testing. Allele origin: germline.
Comment: This sequence change is a gross deletion of the genomic region encompassing exons 11 and 12 of the FANCC gene. causing a frameshift at codon 333. This creates a premature translational stop signal (p.Leu333Valfs*7) and is expected to result in an absent or disrupted protein product. This deletion extends into the introns and the breakpoints have not been determined by this assay. While this particular variant has not been reported in the literature, truncating variants in FANCC are known to be pathogenic (PMID: 17924555). For these reasons, this variant has been classified as Pathogenic.

NM_000136.2(FANCC):c.997-?_1154+?del

Gene: FANCC (FA complementation group C; minus strand).
Variant type: Deletion.
Coding change: c.997-?_1154+?del on transcript NM_000136.2.
Other names: c.997-?_1154+?del (LRG_497t1).
Identifiers: ClinVar variation 219667 (VCV000219667.1).